The following is an entry in ClinVar:

NM_001165963.4(SCN1A):c.2293G>A (p.Val765Met)

Gene: SCN1A (sodium voltage-gated channel alpha subunit 1; minus strand). Cytogenetic location: 2q24.3.
Variant type: single nucleotide variant.
Coding change: c.2293G>A on transcript NM_001165963.4 (MANE Select); coding-DNA position 2293, G replaced by A.
Protein change: p.Val765Met; replaces valine 765 with methionine.
Molecular consequence: missense variant. On other transcripts: 5 prime UTR variant (1), non-coding transcript variant (1).
Genome position (GRCh38, 1-based): chr2:166,041,353, C>T on the plus strand (G>A on the coding strand, the complement: SCN1A is on the minus strand). VCF-style: chr2-166041353-C-T. GRCh37 (hg19) VCF-style: chr2-166897863-C-T.
Other names: c.2209G>A, p.Val737Met (NM_001165964.3, NM_001353957.2, NM_001353958.2); c.2293G>A, p.Val765Met (NM_001202435.3, NM_001353948.2); c.2260G>A, p.Val754Met (NM_001353949.2, NM_001353950.2, NM_001353951.2 and 2 more transcripts); c.2257G>A, p.Val753Met (NM_001353954.2, NM_001353955.2); c.2206G>A, p.Val736Met (NM_001353960.2); c.-166G>A (NM_001353961.2); c.2293G>A (NM_001202435.1); short protein forms V736M, V737M, V753M, V754M, V765M.
Identifiers: ClinVar variation 2446562 (VCV002446562.4), dbSNP rs767074099, ClinGen allele CA1943136.

ClinVar aggregate classification (germline): Uncertain significance. Review status: criteria provided, multiple submitters, no conflicts (2 of 4 stars). 2 submissions from 2 submitters: Uncertain significance (2). Last evaluated 2026-03-16.

Conditions:
SCN1A-related disorder. Also called: SCN1A-related conditions; SCN1A-related condition; SCN1A-related disorders.

Allele frequency attached by ClinVar (database versions not stated): ExAC 0.00001; gnomAD 0.00001; gnomAD exomes 0.00001; TOPMed 0.00001.
gnomAD v4.1: 12 of 1,613,486 alleles (0.00074%); highest among the groups gnomAD compares: East Asian, 0.0022%; no homozygotes.

Submissions (2):

PreventionGenetics, part of Exact Sciences
Classification: Uncertain significance for SCN1A-related condition. Last evaluated: 2026-03-16. Review status: criteria provided, single submitter. Criteria: ACMG Guidelines, 2015. Collection method: clinical testing. Allele origin: germline.
Comment: The SCN1A c.2293G>A variant is predicted to result in the amino acid substitution p.Val765Met. This variant has been reported in an individual with Dravet syndrome (Balestrini S. et al. 2017. PubMed ID: 27231140). This variant is reported in 0.0062% of alleles in individuals of African descent in gnomAD. At this time, the clinical significance of this variant is uncertain due to the absence of conclusive functional and genetic evidence.

GeneDx
Classification: Uncertain significance. Last evaluated: 2023-03-29. Review status: criteria provided, single submitter. Criteria: GeneDx Variant Classification Process June 2021. Collection method: clinical testing. Allele origin: germline. Affected: yes.
Comment: Observed in a patient with Dravet syndrome (Balestrini et al., 2016); In silico analysis supports that this missense variant has a deleterious effect on protein structure/function; Missense variants in this gene are often considered pathogenic (HGMD); This substitution is predicted to be in the cytoplasmic loop between the first and second homologous domains; This variant is associated with the following publications: (PMID: 27231140)